The following is an entry in ClinVar:

NM_018429.3(BDP1):c.5531G>A (p.Arg1844His)

Gene: BDP1 (BDP1 general transcription factor IIIB subunit; plus strand). Cytogenetic location: 5q13.2.
Variant type: single nucleotide variant.
Coding change: c.5531G>A on transcript NM_018429.3 (MANE Select); coding-DNA position 5531, G replaced by A.
Protein change: p.Arg1844His; replaces arginine 1844 with histidine.
Molecular consequence: missense variant.
Genome position (GRCh38, 1-based): chr5:71,524,082, G>A. VCF-style: chr5-71524082-G-A. GRCh37 (hg19) VCF-style: chr5-70819909-G-A.
Other names: short protein forms R1844H.
Identifiers: ClinVar variation 1318934 (VCV001318934.3), dbSNP rs180758488, ClinGen allele CA3296966.

ClinVar aggregate classification (germline): Likely benign. Review status: criteria provided, multiple submitters, no conflicts (2 of 4 stars). 2 submissions from 2 submitters: Likely benign (2). Last evaluated 2026-09-18.

Conditions:
BDP1-related disorder. Also called: BDP1-related condition.

Allele frequency attached by ClinVar (database versions not stated): gnomAD exomes 0.00005 and 0.00031; gnomAD 0.00014 and 0.00016; TOPMed 0.00016; ExAC 0.00028; 1000 Genomes Project 30x 0.00062; 1000 Genomes Project 0.00080.

Submissions (2):

PreventionGenetics, part of Exact Sciences
Classification: Likely benign for BDP1-related condition. Last evaluated: 2026-09-18. Review status: criteria provided, single submitter. Criteria: ACMG Guidelines, 2015. Collection method: clinical testing. Allele origin: germline.
Comment: This variant is classified as likely benign based on ACMG/AMP sequence variant interpretation guidelines (Richards et al. 2015 PMID: 25741868, with internal and published modifications).

GeneDx
Classification: Likely benign. Last evaluated: 2020-01-20. Review status: criteria provided, single submitter. Criteria: GeneDx Variant Classification Process June 2021. Collection method: clinical testing. Allele origin: germline. Affected: yes.